The following is an entry in ClinVar:

ClinVar aggregate classification (germline): Uncertain significance (1 of 4 stars; one submission).

Conditions:
Familial hemophagocytic lymphohistiocytosis 5. Also called: STXBP2-Related Familial Hemophagocytic Lymphohistiocytosis (STXBP2-fHLH). Identifiers: Orphanet 540, MedGen C2751293, MONDO:0013135, OMIM 613101.

Submission:

Labcorp Genetics (formerly Invitae), Labcorp
Classification: Uncertain significance for Familial hemophagocytic lymphohistiocytosis 5. Last evaluated: 2025-08-20. Review status: criteria provided, single submitter. Criteria: Invitae Variant Classification Sherloc (09022015). Collection method: clinical testing. Allele origin: germline.
Comment: This sequence change replaces glutamic acid, which is acidic and polar, with aspartic acid, which is acidic and polar, at codon 488 of the STXBP2 protein (p.Glu488Asp). This variant is not present in population databases (gnomAD no frequency). This variant has not been reported in the literature in individuals affected with STXBP2-related conditions. Invitae Evidence Modeling of protein sequence and biophysical properties (such as structural, functional, and spatial information, amino acid conservation, physicochemical variation, residue mobility, and thermodynamic stability) indicates that this missense variant is not expected to disrupt STXBP2 protein function with a negative predictive value of 95%. In summary, the available evidence is currently insufficient to determine the role of this variant in disease. Therefore, it has been classified as a Variant of Uncertain Significance.

NM_006949.4(STXBP2):c.1464G>T (p.Glu488Asp)

Gene: STXBP2 (syntaxin binding protein 2; plus strand). Cytogenetic location: 19p13.2.
Variant type: single nucleotide variant.
Coding change: c.1464G>T on transcript NM_006949.4 (MANE Select); coding-DNA position 1464, G replaced by T.
Protein change: p.Glu488Asp; replaces glutamic acid 488 with aspartic acid.
Molecular consequence: missense variant. On other transcripts: non-coding transcript variant (1).
Genome position (GRCh38, 1-based): chr19:7,647,173, G>T. VCF-style: chr19-7647173-G-T. GRCh37 (hg19) VCF-style: chr19-7712059-G-T.
Other names: c.1455G>T, p.Glu485Asp (NM_001127396.3); c.1497G>T, p.Glu499Asp (NM_001272034.2); c.1368G>T, p.Glu456Asp (NM_001414484.1); short protein forms E456D, E485D, E488D, E499D.
Identifiers: ClinVar variation 4801160 (VCV004801160.1).